The following is an entry in ClinVar:

NM_004260.4(RECQL4):c.347C>A (p.Thr116Asn)

Gene: RECQL4 (RecQ like helicase 4; minus strand). Cytogenetic location: 8q24.3.
Variant type: single nucleotide variant.
Coding change: c.347C>A on transcript NM_004260.4 (MANE Select); coding-DNA position 347, C replaced by A.
Protein change: p.Thr116Asn; replaces threonine 116 with asparagine.
Molecular consequence: missense variant.
Genome position (GRCh38, 1-based): chr8:144,517,057, G>T on the plus strand (C>A on the coding strand, the complement: RECQL4 is on the minus strand). VCF-style: chr8-144517057-G-T. GRCh37 (hg19) VCF-style: chr8-145742441-G-T.
Other names: short protein forms T116N.
Identifiers: ClinVar variation 1009061 (VCV001009061.1), dbSNP rs565419066, ClinGen allele CA4949370.

ClinVar aggregate classification (germline): Uncertain significance (1 of 4 stars; one submission).

Conditions:
Baller-Gerold syndrome (BGS). Also called: CRANIOSYNOSTOSIS WITH RADIAL DEFECTS. Identifiers: Orphanet 1225, MedGen C0265308, MONDO:0009039, OMIM 218600.

Allele frequency attached by ClinVar (database versions not stated): 1000 Genomes Project 30x 0.00016; 1000 Genomes Project 0.00020.

Submission:

Labcorp Genetics (formerly Invitae), Labcorp
Classification: Uncertain significance for Baller-Gerold syndrome. Last evaluated: 2018-06-26. Review status: criteria provided, single submitter. Criteria: Invitae Variant Classification Sherloc (09022015). Collection method: clinical testing. Allele origin: germline.
Comment: This sequence change replaces threonine with asparagine at codon 116 of the RECQL4 protein (p.Thr116Asn). The threonine residue is weakly conserved and there is a small physicochemical difference between threonine and asparagine. This variant is present in population databases (rs565419066, ExAC 0.009%). This variant has not been reported in the literature in individuals with RECQL4-related disease. Algorithms developed to predict the effect of missense changes on protein structure and function (SIFT, PolyPhen-2, Align-GVGD) all suggest that this variant is likely to be tolerated, but these predictions have not been confirmed by published functional studies and their clinical significance is uncertain. In summary, the available evidence is currently insufficient to determine the role of this variant in disease. Therefore, it has been classified as a Variant of Uncertain Significance.